The following is an entry in ClinVar:

ClinVar aggregate classification (germline): Pathogenic. Review status: reviewed by expert panel (3 of 4 stars). 2 submissions from 2 submitters: Pathogenic (1). 1 of the submissions does not count toward it. Last evaluated 2025-12-05.

Conditions:
ABCA4-related retinopathy. Also called: ABCA4 retinoapthy; ABCA4-related retinoapthy. Identifiers: MedGen CN322612, MONDO:0800406.

Submissions (2):

ClinGen ABCA4 Variant Curation Expert Panel, Clingen
Classification: Pathogenic for ABCA4-related retinopathy. Last evaluated: 2025-12-05. Review status: reviewed by expert panel. Criteria: ClinGen ABCA4 ACMG Specifications V1.0.0. Collection method: curation. Allele origin: germline. Inheritance: Autosomal recessive inheritance.
Comment: The NM_000350.3:c.6568C>T (p.Gln2190Ter) variant in ABCA4 is a nonsense variant predicted to cause a premature stop codon in biologically relevant exon 48/50 leading to nonsense mediated decay in a gene in which loss-of-function is an established disease mechanism (PVS1). This variant is absent from gnomAD v4.1.0 (PM2_Supporting). This variant has been identified in trans with a known pathogenic variant [ABCA4 c.5882G>A; p.Gly1961Glu] (VCEP communication - publication in press; PM3). In summary, this variant meets the criteria to be classified as pathogenic for ABCA4-related retinopathy based on the ACMG/AMP criteria applied, as specified by the ClinGen ABCA4 VCEP (Specification Version 1): PVS1, PM3, PM2_Supporting.

Labcorp Genetics (formerly Invitae), Labcorp
Classification: Pathogenic. Last evaluated: 2025-04-28. Review status: criteria provided, single submitter. Criteria: Invitae Variant Classification Sherloc (09022015). Collection method: clinical testing. Allele origin: germline. Not counted in ClinVar's aggregate classification.
Comment: This sequence change creates a premature translational stop signal (p.Gln2190*) in the ABCA4 gene. It is expected to result in an absent or disrupted protein product. Loss-of-function variants in ABCA4 are known to be pathogenic (PMID: 10958761, 24938718, 25312043, 26780318). This variant is not present in population databases (gnomAD no frequency). This variant has not been reported in the literature in individuals affected with ABCA4-related conditions. ClinVar contains an entry for this variant (Variation ID: 1440605). For these reasons, this variant has been classified as Pathogenic.

Literature cited by the submitters: PubMed 10958761 (cited by Labcorp Genetics (formerly Invitae), Labcorp); PubMed 24938718 (cited by Labcorp Genetics (formerly Invitae), Labcorp); PubMed 25312043 (cited by Labcorp Genetics (formerly Invitae), Labcorp); PubMed 26780318 (cited by Labcorp Genetics (formerly Invitae), Labcorp).

NM_000350.3(ABCA4):c.6568C>T (p.Gln2190Ter)

Gene: ABCA4 (ATP binding cassette subfamily A member 4; minus strand). Cytogenetic location: 1p22.1.
Variant type: single nucleotide variant.
Coding change: c.6568C>T on transcript NM_000350.3 (MANE Select); coding-DNA position 6568, C replaced by T.
Protein change: p.Gln2190Ter; replaces glutamine 2190 with a stop codon.
Molecular consequence: nonsense.
Genome position (GRCh38, 1-based): chr1:93,998,022, G>A on the plus strand (C>T on the coding strand, the complement: ABCA4 is on the minus strand). VCF-style: chr1-93998022-G-A. GRCh37 (hg19) VCF-style: chr1-94463578-G-A.
Other names: NM_000350.3(ABCA4):c.6568C>T; p.Gln2190Ter; c.6346C>T, p.Gln2116Ter (NM_001425324.1); short protein forms Q2190*, Q2116*.
Identifiers: ClinVar variation 1440605 (VCV001440605.6), dbSNP rs2100988221, ClinGen allele CA341276562.